The following is an entry in ClinVar:

ClinVar aggregate classification (germline): Likely benign. Review status: criteria provided, multiple submitters, no conflicts (2 of 4 stars). 2 submissions from 2 submitters: Likely benign (2). Last evaluated 2025-09-19.

Conditions:
NKX2-1-Related Disorders. Also called: NKX2-1-related disorder. Identifiers: MedGen CN381057.

gnomAD v4.1: 24 of 1,597,794 alleles (0.0015%); highest among the groups gnomAD compares: Non-Finnish European, 0.002%; no homozygotes.

Submissions (2):

PreventionGenetics, part of Exact Sciences
Classification: Likely benign for NKX2-1-related condition. Last evaluated: 2025-09-19. Review status: criteria provided, single submitter. Criteria: ACMG Guidelines, 2015. Collection method: clinical testing. Allele origin: germline.
Comment: This variant is classified as likely benign based on ACMG/AMP sequence variant interpretation guidelines (Richards et al. 2015 PMID: 25741868, with internal and published modifications).

Labcorp Genetics (formerly Invitae), Labcorp
Classification: Likely benign. Last evaluated: 2021-05-04. Review status: criteria provided, single submitter. Criteria: Invitae Variant Classification Sherloc (09022015). Collection method: clinical testing. Allele origin: germline.

NM_001079668.3(NKX2-1):c.464-4A>G

Genes: NKX2-1 (NK2 homeobox 1; minus strand), SFTA3 (surfactant associated 3; minus strand). Cytogenetic location: 14q13.3.
Variant type: single nucleotide variant.
Coding change: c.464-4A>G on transcript NM_001079668.3 (MANE Select); 4 bases into the intron before coding-DNA position 464, A replaced by G.
Molecular consequence: intron variant.
Genome position (GRCh38, 1-based): chr14:36,518,024, T>C on the plus strand (A>G on the coding strand, the complement: NKX2-1 is on the minus strand). VCF-style: chr14-36518024-T-C. GRCh37 (hg19) VCF-style: chr14-36987229-T-C.
Other names: c.374-4A>G (NM_003317.4); c.464-4A>G (NM_001079668.2).
Identifiers: ClinVar variation 1556617 (VCV001556617.9), dbSNP rs780157161, ClinGen allele CA2573149919.
Genomic context (GRCh38, chr14:36,518,024, plus strand): 5'-CCAGGCCGCCCATGCCGCTCATGTTCATGCCGCTCGCCGGGCCCATGAAGCGGGAGACTG[T>C]AAGCGACAAACGCACAGCGTCGGCCGGGGCCAGGCCGAGCCAGGCCACCCCTGTTTTCCG-3'